The following is an entry in ClinVar:

ClinVar aggregate classification (germline): Benign/Likely benign. Review status: criteria provided, multiple submitters, no conflicts (2 of 4 stars). 3 submissions from 3 submitters: Benign (1); Likely benign (2). Last evaluated 2026-04-29.

Conditions:
Colorectal cancer, hereditary nonpolyposis, type 7. Identifiers: Orphanet 144, MedGen C1858380, MONDO:0013725, OMIM 614385.

Allele frequency attached by ClinVar (database versions not stated): TOPMed 0.00001; ExAC 0.00001.
gnomAD v4.1: 6 of 1,613,238 alleles (0.00037%); highest among the groups gnomAD compares: Admixed American, 0.0067%; no homozygotes.

Submissions (3):

Myriad Genetics, Inc.
Classification: Benign for Colorectal cancer, hereditary nonpolyposis, type 7. Last evaluated: 2026-04-29. Review status: criteria provided, single submitter. Criteria: Myriad Autosomal Dominant, Autosomal Recessive and X-Linked Classification Criteria (2023). Collection method: clinical testing. Allele origin: unknown.
Comment: This variant is considered benign. This variant is a silent/synonymous amino acid change and it is not expected to impact splicing.

Labcorp Genetics (formerly Invitae), Labcorp
Classification: Likely benign for Colorectal cancer, hereditary nonpolyposis, type 7. Last evaluated: 2025-06-23. Review status: criteria provided, single submitter. Criteria: Invitae Variant Classification Sherloc (09022015). Collection method: clinical testing. Allele origin: germline.

Ambry Genetics
Classification: Likely benign. Last evaluated: 2022-03-02. Review status: criteria provided, single submitter. Criteria: Ambry Variant Classification Scheme 2023. Collection method: clinical testing. Allele origin: germline.

NM_001040108.2(MLH3):c.1155T>C (p.Asp385=)

Gene: MLH3 (mutL homolog 3; minus strand). Cytogenetic location: 14q24.3.
Variant type: single nucleotide variant.
Coding change: c.1155T>C on transcript NM_001040108.2 (MANE Select); coding-DNA position 1155, T replaced by C.
Protein change: p.Asp385=; no amino-acid change (aspartic acid 385 retained).
Molecular consequence: synonymous variant.
Genome position (GRCh38, 1-based): chr14:75,048,501, A>G on the plus strand (T>C on the coding strand, the complement: MLH3 is on the minus strand). VCF-style: chr14-75048501-A-G. GRCh37 (hg19) VCF-style: chr14-75515204-A-G.
Other names: c.1155T>C, p.Asp385= (NM_014381.3).
Identifiers: ClinVar variation 1556548 (VCV001556548.11), dbSNP rs766153014, ClinGen allele CA7275912.